The following is an entry in ClinVar:

NM_003922.4(HERC1):c.5947C>T (p.Arg1983Cys)

Gene: HERC1 (HECT and RLD domain containing E3 ubiquitin protein ligase family member 1; minus strand). Cytogenetic location: 15q22.31.
Variant type: single nucleotide variant.
Coding change: c.5947C>T on transcript NM_003922.4 (MANE Select); coding-DNA position 5947, C replaced by T.
Protein change: p.Arg1983Cys; replaces arginine 1983 with cysteine.
Molecular consequence: missense variant.
Genome position (GRCh38, 1-based): chr15:63,689,690, G>A on the plus strand (C>T on the coding strand, the complement: HERC1 is on the minus strand). VCF-style: chr15-63689690-G-A. GRCh37 (hg19) VCF-style: chr15-63981889-G-A.
Other names: short protein forms R1983C.
Identifiers: ClinVar variation 2082640 (VCV002082640.2), dbSNP rs781450433, ClinGen allele CA7605428.

ClinVar aggregate classification (germline): Uncertain significance. Review status: criteria provided, multiple submitters, no conflicts (2 of 4 stars). 2 submissions from 2 submitters: Uncertain significance (2). Last evaluated 2022-05-05.

Conditions:
Inborn genetic diseases. Identifiers: MedGen C0950123, MeSH D030342.

Allele frequency attached by ClinVar (database versions not stated): TOPMed below 0.00001; gnomAD 0.00002; ExAC 0.00013.

Submissions (2):

Labcorp Genetics (formerly Invitae), Labcorp
Classification: Uncertain significance. Last evaluated: 2022-05-05. Review status: criteria provided, single submitter. Criteria: Invitae Variant Classification Sherloc (09022015). Collection method: clinical testing. Allele origin: germline.
Comment: This sequence change replaces arginine, which is basic and polar, with cysteine, which is neutral and slightly polar, at codon 1983 of the HERC1 protein (p.Arg1983Cys). The frequency data for this variant in the population databases is considered unreliable, as metrics indicate poor data quality at this position in the gnomAD database. This variant has not been reported in the literature in individuals affected with HERC1-related conditions. Algorithms developed to predict the effect of missense changes on protein structure and function output the following: SIFT: "Deleterious"; PolyPhen-2: "Benign"; Align-GVGD: "Class C65". The cysteine amino acid residue is found in multiple mammalian species, which suggests that this missense change does not adversely affect protein function. In summary, the available evidence is currently insufficient to determine the role of this variant in disease. Therefore, it has been classified as a Variant of Uncertain Significance.

Ambry Genetics
Classification: Uncertain significance for Inborn genetic diseases. Last evaluated: 2021-01-27. Review status: criteria provided, single submitter. Criteria: Ambry Variant Classification Scheme 2023. Collection method: clinical testing. Allele origin: germline.
Comment: The c.5947C>T (p.R1983C) alteration is located in exon 33 (coding exon 32) of the HERC1 gene. This alteration results from a C to T substitution at nucleotide position 5947, causing the arginine (R) at amino acid position 1983 to be replaced by a cysteine (C). The p.R1983C alteration is predicted to be tolerated by in silico analysis. Based on insufficient or conflicting evidence, the clinical significance of this alteration remains unclear.